The following is an entry in ClinVar:

ClinVar aggregate classification (germline): Conflicting classifications of pathogenicity. Review status: criteria provided, conflicting classifications (1 of 4 stars). 5 submissions from 5 submitters: Uncertain significance (1); Likely benign (3). 1 of the submissions does not count toward it. Last evaluated 2026-01-20.

Conditions:
VLDLR-related disorder. Also called: VLDLR-related condition.
Cerebellar ataxia, impaired intellectual development, and dysequilibrium syndrome 1. Also called: CEREBELLAR ATAXIA AND MENTAL RETARDATION WITH OR WITHOUT QUADRUPEDAL LOCOMOTION 1; CEREBELLAR ATAXIA, CONGENITAL, AND MENTAL RETARDATION, AUTOSOMAL RECESSIVE; Cerebellar ataxia, intellectual disability, and dysequilibrium syndrome 1; VLDLR Cerebellar Hypoplasia; Cerebellar ataxia, mental retardation, and dysequilibrium syndrome 1; Cerebellar hypoplasia and mental retardation with or without quadrupedal locomotion 1. Identifiers: Orphanet 1766, MedGen C4551552, MONDO:0024542, OMIM 224050.

Allele frequency attached by ClinVar (database versions not stated): ESP Exome Variant Server 0.00008; gnomAD 0.00006; TOPMed 0.00017.
gnomAD v4.1: 211 of 1,614,070 alleles (0.013%); highest among the groups gnomAD compares: Middle Eastern, 0.15%; no homozygotes.

Submissions (5):

Labcorp Genetics (formerly Invitae), Labcorp
Classification: Likely benign. Last evaluated: 2026-01-20. Review status: criteria provided, single submitter. Criteria: Invitae Variant Classification Sherloc (09022015). Collection method: clinical testing. Allele origin: germline.

CeGaT Center for Human Genetics Tuebingen
Classification: Likely benign. Last evaluated: 2025-02-01. Review status: criteria provided, single submitter. Criteria: CeGaT Center For Human Genetics Tuebingen Variant Classification Criteria Version 2. Collection method: clinical testing. Allele origin: germline. Affected: yes. Observed: 1 variant allele.
Comment: VLDLR: BP4, BP7

GeneDx
Classification: Likely benign. Last evaluated: 2021-05-07. Review status: criteria provided, single submitter. Criteria: GeneDx Variant Classification Process June 2021. Collection method: clinical testing. Allele origin: germline. Affected: yes.

Illumina Laboratory Services, Illumina
Classification: Uncertain significance for Cerebellar ataxia, impaired intellectual development, and dysequilibrium syndrome 1. Last evaluated: 2018-01-13. Review status: criteria provided, single submitter. Criteria: ICSL Variant Classification Criteria 13 December 2019. Collection method: clinical testing. Allele origin: germline.

PreventionGenetics, part of Exact Sciences
Classification: Likely benign for VLDLR-related condition. Last evaluated: 2020-01-13. Review status: no assertion criteria provided. Collection method: clinical testing. Allele origin: germline. Not counted in ClinVar's aggregate classification.
Comment: This variant is classified as likely benign based on ACMG/AMP sequence variant interpretation guidelines (Richards et al. 2015 PMID: 25741868, with internal and published modifications).

NM_003383.5(VLDLR):c.1179C>T (p.Thr393=)

Gene: VLDLR (very low density lipoprotein receptor; plus strand). Cytogenetic location: 9p24.2.
Variant type: single nucleotide variant.
Coding change: c.1179C>T on transcript NM_003383.5 (MANE Select); coding-DNA position 1179, C replaced by T.
Protein change: p.Thr393=; no amino-acid change (threonine 393 retained).
Molecular consequence: synonymous variant.
Genome position (GRCh38, 1-based): chr9:2,644,846, C>T. VCF-style: chr9-2644846-C-T. GRCh37 (hg19) VCF-style: chr9-2644846-C-T.
Other names: c.1179C>T, p.Thr393= (NM_001018056.3); c.1056C>T, p.Thr352= (NM_001322225.2, NM_001322226.2).
Identifiers: ClinVar variation 756495 (VCV000756495.28), dbSNP rs372577949, ClinGen allele CA4964755.